The following is an entry in ClinVar:

NM_052854.4(CREB3L1):c.1284C>T (p.Tyr428=)

Gene: CREB3L1 (cAMP responsive element binding protein 3 like 1; plus strand). Cytogenetic location: 11p11.2.
Variant type: single nucleotide variant.
Coding change: c.1284C>T on transcript NM_052854.4 (MANE Select); coding-DNA position 1284, C replaced by T.
Protein change: p.Tyr428=; no amino-acid change (tyrosine 428 retained).
Molecular consequence: synonymous variant.
Genome position (GRCh38, 1-based): chr11:46,320,289, C>T. VCF-style: chr11-46320289-C-T. GRCh37 (hg19) VCF-style: chr11-46341840-C-T.
Other names: c.1284C>T, p.Tyr428= (NM_001425266.1); c.1278C>T, p.Tyr426= (NM_001425267.1); c.1146C>T, p.Tyr382= (NM_001425268.1); c.1020C>T, p.Tyr340= (NM_001425269.1).
Identifiers: ClinVar variation 3057475 (VCV003057475.4), dbSNP rs779809838, ClinGen allele CA5961848.

ClinVar aggregate classification (germline): Likely benign. Review status: criteria provided, single submitter (1 of 4 stars). 2 submissions from 2 submitters: Likely benign (1). 1 of the submissions does not count toward it. Last evaluated 2025-12-16.

Conditions:
CREB3L1-related disorder. Also called: CREB3L1-related condition.

Allele frequency attached by ClinVar (database versions not stated): gnomAD 0.00003; gnomAD exomes 0.00003; ExAC 0.00001.
gnomAD v4.1: 46 of 1,610,946 alleles (0.0029%); highest among the groups gnomAD compares: Middle Eastern, 0.05%; no homozygotes.

Submissions (2):

Labcorp Genetics (formerly Invitae), Labcorp
Classification: Likely benign. Last evaluated: 2025-12-16. Review status: criteria provided, single submitter. Criteria: Invitae Variant Classification Sherloc (09022015). Collection method: clinical testing. Allele origin: germline.

PreventionGenetics, part of Exact Sciences
Classification: Likely benign for CREB3L1-related condition. Last evaluated: 2019-03-01. Review status: no assertion criteria provided. Collection method: clinical testing. Allele origin: germline. Not counted in ClinVar's aggregate classification.
Comment: This variant is classified as likely benign based on ACMG/AMP sequence variant interpretation guidelines (Richards et al. 2015 PMID: 25741868, with internal and published modifications).